The following is an entry in ClinVar:

ClinVar aggregate classification (germline): Pathogenic (1 of 4 stars; one submission).

Conditions:
Infantile neuroaxonal dystrophy (NBIA2A). Also called: Infantile neuroaxonal dystrophy 1; NEURODEGENERATION WITH BRAIN IRON ACCUMULATION 2A; SEITELBERGER DISEASE. Identifiers: Orphanet 35069, MedGen C0270724, MONDO:0024457, OMIM 256600.

Submission:

Dr. Faghihi's Medical Genetic Center
Classification: Pathogenic for Infantile neuroaxonal dystrophy. Last evaluated: 2017-03-01. Review status: criteria provided, single submitter. Criteria: Submitter's publication. Collection method: research. Allele origin: not applicable. Inheritance: Autosomal recessive inheritance.
Comment: Diagnostic evaluations were brain MRI and abdominal and pelvic ultrasonography. The ultrasonography showed normal features but in MRI imaging only a minimal change of periventricular white mater was observed which could be due to mild delayed myelination. Comprehensive laboratory examinations were also requested, including hematology, biochemistry, hormone, and urine analaysis.

Literature cited by the submitters: PubMed 28821231.

NM_003560.4(PLA2G6):c.3G>T (p.Met1Ile)

Gene: PLA2G6 (phospholipase A2 group VI; minus strand). Cytogenetic location: 22q13.1.
Variant type: single nucleotide variant.
Coding change: c.3G>T on transcript NM_003560.4 (MANE Select); coding-DNA position 3, G replaced by T.
Protein change: p.Met1Ile; changes the start codon (methionine 1).
Molecular consequence: missense variant, initiator codon variant. On other transcripts: 5 prime UTR variant (3).
Genome position (GRCh38, 1-based): chr22:38,169,424, C>A on the plus strand (G>T on the coding strand, the complement: PLA2G6 is on the minus strand). VCF-style: chr22-38169424-C-A. GRCh37 (hg19) VCF-style: chr22-38565431-C-A.
Other names: c.3G>T, p.Met1Ile (NM_001004426.3, NM_001199562.3, NM_001349864.2 and 2 more transcripts); c.-663G>T (NM_001349867.2, NM_001349869.2); c.-488G>T (NM_001349868.2); short protein forms M1I.
Identifiers: ClinVar variation 429031 (VCV000429031.4), dbSNP rs764959600, ClinGen allele CA411521181.
Genomic context (GRCh38, chr22:38,169,424, plus strand): 5'-TGGGTTAGAGAACAAGTTGGTGACGCCACTGAAGGTATTGACCAGGCGGCCAAAGAACTG[C>A]ATCTTCTGCGGGGCAGGTGGGGAGGCCCCACCGTCTTCCCCCTCTGTCTGGAAGAAAACG-3'
Protein context (NP_003551.2, residues 1-11): [Met1Ile]QFFGRLVNTF